The following is an entry in ClinVar:

NM_001174150.2(ARL13B):c.1070A>G (p.His357Arg)

Gene: ARL13B (ARF like GTPase 13B; plus strand). Cytogenetic location: 3q11.2.
Variant type: single nucleotide variant.
Coding change: c.1070A>G on transcript NM_001174150.2 (MANE Select); coding-DNA position 1070, A replaced by G.
Protein change: p.His357Arg; replaces histidine 357 with arginine.
Molecular consequence: missense variant. On other transcripts: non-coding transcript variant (2).
Genome position (GRCh38, 1-based): chr3:94,049,451, A>G. VCF-style: chr3-94049451-A-G. GRCh37 (hg19) VCF-style: chr3-93768295-A-G.
Other names: c.761A>G, p.His254Arg (NM_001174151.2); c.1025A>G, p.His342Arg (NM_001321328.2); c.749A>G, p.His250Arg (NM_144996.4); c.1070A>G, p.His357Arg (NM_182896.3); short protein forms H357R, H250R, H254R, H342R.
Identifiers: ClinVar variation 939183 (VCV000939183.8), dbSNP rs150821066, ClinGen allele CA2504251.

ClinVar aggregate classification (germline): Conflicting classifications of pathogenicity. Review status: criteria provided, conflicting classifications (1 of 4 stars). 4 submissions from 4 submitters: Uncertain significance (3); Likely benign (1). Last evaluated 2024-10-22.

Conditions:
Inborn genetic diseases. Identifiers: MedGen C0950123, MeSH D030342.
Joubert syndrome 8 (JBTS8). Identifiers: Orphanet 475, MedGen C2676771, MONDO:0012855, OMIM 612291.

Allele frequency attached by ClinVar (database versions not stated): ExAC 0.00007; gnomAD exomes 0.00008 and 0.00026; TOPMed 0.00010; gnomAD 0.00012 and 0.00014; ESP Exome Variant Server 0.00023.
gnomAD v4.1: 395 of 1,610,182 alleles (0.025%); highest among the groups gnomAD compares: Non-Finnish European, 0.032%; 1 homozygote.

Submissions (4):

Labcorp Genetics (formerly Invitae), Labcorp
Classification: Uncertain significance for Joubert syndrome 8. Last evaluated: 2024-10-22. Review status: criteria provided, single submitter. Criteria: Invitae Variant Classification Sherloc (09022015). Collection method: clinical testing. Allele origin: germline.
Comment: This sequence change replaces histidine, which is basic and polar, with arginine, which is basic and polar, at codon 357 of the ARL13B protein (p.His357Arg). This variant is present in population databases (rs150821066, gnomAD 0.02%). This variant has not been reported in the literature in individuals affected with ARL13B-related conditions. ClinVar contains an entry for this variant (Variation ID: 939183). Invitae Evidence Modeling of protein sequence and biophysical properties (such as structural, functional, and spatial information, amino acid conservation, physicochemical variation, residue mobility, and thermodynamic stability) indicates that this missense variant is not expected to disrupt ARL13B protein function with a negative predictive value of 80%. In summary, the available evidence is currently insufficient to determine the role of this variant in disease. Therefore, it has been classified as a Variant of Uncertain Significance.

Ambry Genetics
Classification: Uncertain significance for Inborn genetic diseases. Last evaluated: 2024-09-25. Review status: criteria provided, single submitter. Criteria: Ambry Variant Classification Scheme 2023. Collection method: clinical testing. Allele origin: germline.

Fulgent Genetics
Classification: Likely benign for Joubert syndrome 8. Last evaluated: 2024-04-29. Review status: criteria provided, single submitter. Criteria: ACMG Guidelines, 2015. Collection method: clinical testing. Allele origin: germline.

Breakthrough Genomics
Classification: Uncertain significance. Review status: criteria provided, single submitter. Criteria: ACMG Guidelines, 2015. Collection method: not provided. Allele origin: germline. Inheritance: Autosomal recessive inheritance. Affected: yes.